The following is an entry in ClinVar:

NM_001165963.4(SCN1A):c.3734G>A (p.Arg1245Gln)

Genes: SCN1A (sodium voltage-gated channel alpha subunit 1; minus strand), LOC102724058 (uncharacterized LOC102724058; plus strand). Cytogenetic location: 2q24.3.
Variant type: single nucleotide variant.
Coding change: c.3734G>A on transcript NM_001165963.4 (MANE Select); coding-DNA position 3734, G replaced by A.
Protein change: p.Arg1245Gln; replaces arginine 1245 with glutamine.
Molecular consequence: missense variant. On other transcripts: non-coding transcript variant (1).
Genome position (GRCh38, 1-based): chr2:166,012,254, C>T on the plus strand (G>A on the coding strand, the complement: SCN1A is on the minus strand). VCF-style: chr2-166012254-C-T. GRCh37 (hg19) VCF-style: chr2-166868764-C-T.
Other names: p.R1245Q:CGA>CAA; c.3650G>A, p.Arg1217Gln (NM_001165964.3, NM_001353957.2, NM_001353958.2); c.3734G>A, p.Arg1245Gln (NM_001202435.3, NM_001353948.2); c.3701G>A, p.Arg1234Gln (NM_001353949.2, NM_001353950.2, NM_001353951.2 and 2 more transcripts); c.3698G>A, p.Arg1233Gln (NM_001353954.2, NM_001353955.2); c.3647G>A, p.Arg1216Gln (NM_001353960.2); c.1292G>A, p.Arg431Gln (NM_001353961.2); c.3734G>A (NM_001165963.3); short protein forms R1234Q, R1245Q, R1233Q, R431Q, R1216Q, R1217Q.
Identifiers: ClinVar variation 68533 (VCV000068533.29), dbSNP rs121917912, ClinGen allele CA284931.

ClinVar aggregate classification (germline): Pathogenic/Likely pathogenic. Review status: criteria provided, multiple submitters, no conflicts (2 of 4 stars). 9 submissions from 9 submitters: Pathogenic (1); Likely pathogenic (7). 1 of the submissions does not count toward it. Last evaluated 2026-08-10.

Conditions:
Early-infantile DEE. Also called: Ohtahara syndrome; Early infantile epileptic encephalopathy with suppression bursts; Early infantile epileptic encephalopathy. Identifiers: Orphanet 1934, MedGen C0393706, MONDO:0800491.
Autosomal dominant SCN1A-related disorders.
Migraine, familial hemiplegic, 3. Identifiers: Orphanet 569, MedGen C1864987, MONDO:0012320, OMIM 609634.
Severe myoclonic epilepsy in infancy (DRVT). Also called: Dravet syndrome; SEVERE MYOCLONIC EPILEPSY OF INFANCY; DEVELOPMENTAL AND EPILEPTIC ENCEPHALOPATHY 6A; Severe Myoclonic Epilepsy in Infancy (SMEI); Epileptic encephalopathy, early infantile, 6 (Dravet syndrome). Identifiers: Orphanet 33069, MedGen C0751122, MONDO:0100135, OMIM 607208.
Generalized epilepsy with febrile seizures plus, type 2 (GEFSP2). Also called: GEFS+, TYPE 2. Identifiers: Orphanet 36387, MedGen C1858673, MONDO:0011461, OMIM 604403.
Developmental and epileptic encephalopathy 6B. Also called: Developmental and epileptic encephalopathy 6B, non-Dravet. Identifiers: MedGen C5543353, MONDO:0030268, OMIM 619317.

Allele frequency attached by ClinVar (database versions not stated): gnomAD exomes below 0.00001; gnomAD 0.00001.
gnomAD v4.1: 7 of 1,609,000 alleles (0.00044%); highest among the groups gnomAD compares: South Asian, 0.0011%; no homozygotes.

Submissions (9):

GeneDx
Classification: Likely pathogenic. Last evaluated: 2026-08-10. Review status: criteria provided, single submitter. Criteria: GeneDx Variant Classification Process June 2021. Collection method: clinical testing. Allele origin: germline.
Comment: Identified in multiple patients with Dravet syndrome or other SCN1A-related epilepsy referred for genetic testing at GeneDx and in published literature (PMID: 28202706, 21906962, 36993157); Not observed at significant frequency in large population cohorts (gnomAD); In silico analysis supports that this missense variant has a deleterious effect on protein structure/function; This substitution is predicted to be within the extracellular loop between the S1 and S2 transmembrane segments of the third homologous domain; This variant is associated with the following publications: (PMID: 18804930, 21906962, 17054684, 24331359, 32347949, 24136861, 17381446, 31440721, 36993157, 35074891, 28202706, 41317105)

CeGaT Center for Human Genetics Tuebingen
Classification: Likely pathogenic. Last evaluated: 2026-01-01. Review status: criteria provided, single submitter. Criteria: CeGaT Center For Human Genetics Tuebingen Variant Classification Criteria Version 2. Collection method: clinical testing. Allele origin: germline. Affected: yes. Observed: 1 variant allele.
Comment: SCN1A: PS4, PM2:Supporting, PP3

Variantyx, Inc.
Classification: Likely pathogenic for Autosomal dominant SCN1A-related disorders. Last evaluated: 2025-09-09. Review status: criteria provided, single submitter. Criteria: Variantyx Assertion Criteria 2022. Collection method: clinical testing. Allele origin: germline. Inheritance: Autosomal dominant inheritance. Affected: no.
Comment: This is a nonsynonymous variant in the SCN1A gene (OMIM: 182389). Pathogenic variants in this gene have been associated with autosomal dominant SCN1A-related disorders. This variant has been reported in several unrelated affected individuals (PMID: 17054684, 17381446, 28202706, 21906962) (PS4). Multiple computational algorithms predict a deleterious effect for this variant (REVEL score: 0.808) (PP3). This variant has a 0.0011% maximum allele frequency in non-founder control populations (PM2). Based on the current evidence, this variant is classified as likely pathogenic for autosomal dominant SCN1A-related disorders.

Labcorp Genetics (formerly Invitae), Labcorp
Classification: Pathogenic for Early-infantile DEE. Last evaluated: 2025-04-11. Review status: criteria provided, single submitter. Criteria: Invitae Variant Classification Sherloc (09022015). Collection method: clinical testing. Allele origin: germline.
Comment: This sequence change replaces arginine, which is basic and polar, with glutamine, which is neutral and polar, at codon 1245 of the SCN1A protein (p.Arg1245Gln). This variant is not present in population databases (gnomAD no frequency). This missense change has been observed in individual(s) with autosomal dominant severe myoclonic epilepsy of infancy (PMID: 17054684, 21906962, 28202706). In at least one individual the variant was observed to be de novo. ClinVar contains an entry for this variant (Variation ID: 68533). Invitae Evidence Modeling of protein sequence and biophysical properties (such as structural, functional, and spatial information, amino acid conservation, physicochemical variation, residue mobility, and thermodynamic stability) indicates that this missense variant is expected to disrupt SCN1A protein function with a positive predictive value of 95%. For these reasons, this variant has been classified as Pathogenic.

Revvity Omics, Revvity
Classification: Likely pathogenic. Last evaluated: 2023-08-29. Review status: criteria provided, single submitter. Criteria: ACMG Guidelines, 2015. Collection method: clinical testing. Allele origin: germline.

MGZ Medical Genetics Center
Classification: Likely pathogenic for Generalized epilepsy with febrile seizures plus, type 2. Last evaluated: 2022-08-19. Review status: criteria provided, single submitter. Criteria: ACMG Guidelines, 2015. Collection method: clinical testing. Allele origin: germline. Affected: yes. Observed: 1 variant allele.
Comment: ACMG criteria applied: PS4_MOD, PM6, PM2_SUP, PP2, PP3

New York Genome Center
Classification: Likely pathogenic for Generalized epilepsy with febrile seizures plus, type 2. Last evaluated: 2021-01-29. Review status: criteria provided, single submitter. Criteria: NYGC Assertion Criteria 2020. Collection method: clinical testing. Allele origin: inherited. Observed: 1 heterozygote. Study: CSER-NYCKidSeq.
Comment: The inherited c.3734G>A (p.Arg1245Gln) variant identified in the SCN1A gene substitutes a very well conserved Arginine for Glutamine at amino acid 1245/2010(exon 22/29). This variant is found with low frequency in gnomAD(v3.0) (1 heterozygote, 0 homozygotes; allele frequency: 6.62e-6) suggesting it is not a common benign variant in the populations represented in that database. In silico algorithms predict this variant to be Damaging (SIFT; score:0.001) and Pathogenic (REVEL; score: 0.808) to the function of the canonical transcript. This variant is reported as Pathogenic / Likely Pathogenic in ClinVar (VarID: 68533). The c.3734G>A (p.Arg1245Gln) variant identified here has been previously reported in several individuals in the literature with SCN1A associated epilepsy syndromes [PMID:17054684; PMID: 21906962; PMID: 28202706]. Given its low frequency in population databases, observation in several affected individuals in the literature, and in silico predictions of pathogenicity, the inherited c.3734G>A (p.Arg1245Gln) variant identified in the SCN1A gene is reported as Likely Pathogenic.

Juno Genomics, Hangzhou Juno Genomics, Inc
Classification: Likely pathogenic for Developmental and epileptic encephalopathy 6B; Severe myoclonic epilepsy in infancy; Generalized epilepsy with febrile seizures plus, type 2; Migraine, familial hemiplegic, 3. Review status: criteria provided, single submitter. Criteria: ACMG Guidelines, 2015. Collection method: clinical testing. Allele origin: germline.
Comment: Multiple lines of computational evidence support a deleterious effect on the gene or gene product.;Absent from controls (or at extremely low frequency if recessive) in Genome Aggregation Database.;Missense variant in a gene that has a low rate of benign missense variation.;The prevalence of the variant in affected individuals is significantly increased compared to the prevalence in controls.;Assumed de novo, but without confirmation of paternity and maternity.

UniProtKB/Swiss-Prot
No classification provided. Condition: Severe myoclonic epilepsy in infancy. Review status: no classification provided. Collection method: not provided. Allele origin: unknown. Not counted in ClinVar's aggregate classification.

Literature cited by the submitters: PubMed 17054684 (cited by Variantyx, Inc. and Labcorp Genetics (formerly Invitae), Labcorp); PubMed 17381446 (cited by Variantyx, Inc.); PubMed 28202706 (cited by Variantyx, Inc. and Labcorp Genetics (formerly Invitae), Labcorp); PubMed 21906962 (cited by Variantyx, Inc. and Labcorp Genetics (formerly Invitae), Labcorp).